The following is an entry in ClinVar:

ClinVar aggregate classification (germline): Pathogenic (1 of 4 stars; one submission).

Submission:

Labcorp Genetics (formerly Invitae), Labcorp
Classification: Pathogenic. Last evaluated: 2023-08-04. Review status: criteria provided, single submitter. Criteria: Invitae Variant Classification Sherloc (09022015). Collection method: clinical testing. Allele origin: germline.
Comment: For these reasons, this variant has been classified as Pathogenic. This variant disrupts the p.Gly70 amino acid residue in RS1. Other variant(s) that disrupt this residue have been determined to be pathogenic (PMID: 9618178, 28559085, 29902095). This suggests that this residue is clinically significant, and that variants that disrupt this residue are likely to be disease-causing. Advanced modeling of protein sequence and biophysical properties (such as structural, functional, and spatial information, amino acid conservation, physicochemical variation, residue mobility, and thermodynamic stability) performed at Invitae indicates that this missense variant is expected to disrupt RS1 protein function. ClinVar contains an entry for this variant (Variation ID: 858074). This missense change has been observed in individual(s) with retinoschisis (Invitae). This variant is not present in population databases (gnomAD no frequency). This sequence change replaces glycine, which is neutral and non-polar, with alanine, which is neutral and non-polar, at codon 70 of the RS1 protein (p.Gly70Ala).

Literature cited by the submitters: PubMed 9618178; PubMed 28559085; PubMed 29902095.

NM_000330.4(RS1):c.209G>C (p.Gly70Ala)

Genes: CDKL5 (cyclin dependent kinase like 5; plus strand), RS1 (retinoschisin 1; minus strand). Cytogenetic location: Xp22.13.
Variant type: single nucleotide variant.
Coding change: c.209G>C on transcript NM_000330.4 (MANE Select); coding-DNA position 209, G replaced by C.
Protein change: p.Gly70Ala; replaces glycine 70 with alanine.
Molecular consequence: missense variant. On other transcripts: intron variant (2).
Genome position (GRCh38, 1-based): chrX:18,647,308, C>G on the plus strand (G>C on the coding strand, the complement: RS1 is on the minus strand). VCF-style: chrX-18647308-C-G. GRCh37 (hg19) VCF-style: chrX-18665428-C-G.
Other names: c.2797+1218C>G (NM_003159.3, NM_001037343.2); short protein forms G70A.
Identifiers: ClinVar variation 858074 (VCV000858074.10), dbSNP rs62645895, ClinGen allele CA412372968.